The following is an entry in ClinVar:

ClinVar aggregate classification (germline): Uncertain significance (1 of 4 stars; one submission).

gnomAD v4.1: 2 of 1,193,160 alleles (0.00017%); highest among the groups gnomAD compares: Non-Finnish European, 0.00023%; no homozygotes.

Submission:

GeneDx
Classification: Uncertain significance. Last evaluated: 2024-04-03. Review status: criteria provided, single submitter. Criteria: GeneDx Variant Classification Process June 2021. Collection method: clinical testing. Allele origin: germline. Affected: yes.
Comment: Not observed at significant frequency in large population cohorts (gnomAD); In silico analysis supports that this missense variant does not alter protein structure/function; Has not been previously published as pathogenic or benign to our knowledge

NM_000240.4(MAOA):c.317A>T (p.Tyr106Phe)

Gene: MAOA (monoamine oxidase A; plus strand). Cytogenetic location: Xp11.3.
Variant type: single nucleotide variant.
Coding change: c.317A>T on transcript NM_000240.4 (MANE Select); coding-DNA position 317, A replaced by T.
Protein change: p.Tyr106Phe; replaces tyrosine 106 with phenylalanine.
Molecular consequence: missense variant. On other transcripts: 5 prime UTR variant (1).
Genome position (GRCh38, 1-based): chrX:43,711,882, A>T. VCF-style: chrX-43711882-A-T. GRCh37 (hg19) VCF-style: chrX-43571129-A-T.
Other names: c.-83A>T (NM_001270458.2); short protein forms Y106F.
Identifiers: ClinVar variation 3372045 (VCV003372045.1).